The following is an entry in ClinVar:

ClinVar aggregate classification (germline): Pathogenic/Likely pathogenic. Review status: criteria provided, multiple submitters, no conflicts (2 of 4 stars). 2 submissions from 2 submitters: Pathogenic (1); Likely pathogenic (1). Last evaluated 2024-03-29.

Conditions:
Neuronal ceroid lipofuscinosis 3 (CLN3). Identifiers: Orphanet 228346, MedGen C0751383, MONDO:0008767, OMIM 204200.

Submissions (2):

Genomic Medicine Center of Excellence, King Faisal Specialist Hospital and Research Centre
Classification: Pathogenic for Neuronal ceroid lipofuscinosis 3. Last evaluated: 2024-03-29. Review status: criteria provided, single submitter. Criteria: ACMG Guidelines, 2015. Collection method: clinical testing. Allele origin: germline.

Myriad Genetics, Inc.
Classification: Likely pathogenic for Neuronal ceroid lipofuscinosis 3. Last evaluated: 2022-03-14. Review status: criteria provided, single submitter. Criteria: Myriad Women's Health Autosomal Recessive and X-Linked Classification Criteria (2021). Collection method: clinical testing. Allele origin: unknown.
Comment: NM_001042432.1(CLN3):c.610C>T(Q204*) is expected to be pathogenic in the context of CLN3-related neuronal ceroid lipofuscinosis. This variant is predicted to lead to an abnormal or absent protein product due to the creation of a premature termination codon in CLN3, a gene where loss-of-function variants are known to be pathogenic. Please note: this variant was assessed in the context of healthy population screening.

NM_001042432.2(CLN3):c.610C>T (p.Gln204Ter)

Gene: CLN3 (CLN3 lysosomal/endosomal transmembrane protein, battenin; minus strand). Cytogenetic location: 16p12.1.
Variant type: single nucleotide variant.
Coding change: c.610C>T on transcript NM_001042432.2 (MANE Select); coding-DNA position 610, C replaced by T.
Protein change: p.Gln204Ter; replaces glutamine 204 with a stop codon.
Molecular consequence: nonsense.
Genome position (GRCh38, 1-based): chr16:28,486,414, G>A on the plus strand (C>T on the coding strand, the complement: CLN3 is on the minus strand). VCF-style: chr16-28486414-G-A. GRCh37 (hg19) VCF-style: chr16-28497735-G-A.
Other names: c.610C>T, p.Gln204Ter (NM_000086.2); c.538C>T, p.Gln180Ter (NM_001286104.2); c.310C>T, p.Gln104Ter (NM_001286105.2); c.376C>T, p.Gln126Ter (NM_001286109.2); c.448C>T, p.Gln150Ter (NM_001286110.2); short protein forms Q104*, Q126*, Q150*, Q180*, Q204*.
Identifiers: ClinVar variation 1725180 (VCV001725180.3), dbSNP rs2506482028, ClinGen allele CA395345299.